The following is an entry in ClinVar:

NM_001376.5(DYNC1H1):c.13345C>T (p.Arg4449Cys)

Gene: DYNC1H1 (dynein cytoplasmic 1 heavy chain 1; plus strand). Cytogenetic location: 14q32.31.
Variant type: single nucleotide variant.
Coding change: c.13345C>T on transcript NM_001376.5 (MANE Select); coding-DNA position 13345, C replaced by T.
Protein change: p.Arg4449Cys; replaces arginine 4449 with cysteine.
Molecular consequence: missense variant.
Genome position (GRCh38, 1-based): chr14:102,048,642, C>T. VCF-style: chr14-102048642-C-T. GRCh37 (hg19) VCF-style: chr14-102514979-C-T.
Other names: short protein forms R4449C.
Identifiers: ClinVar variation 1381178 (VCV001381178.8), dbSNP rs2048759812, ClinGen allele CA391048463.

ClinVar aggregate classification (germline): Uncertain significance (1 of 4 stars; one submission).

Conditions:
Charcot-Marie-Tooth disease axonal type 2O. Also called: CHARCOT-MARIE-TOOTH NEUROPATHY, AXONAL, TYPE 2O; CHARCOT-MARIE-TOOTH DISEASE, AXONAL, AUTOSOMAL DOMINANT, TYPE 2O; Charcot-Marie-Tooth Neuropathy Type 2O; Charcot-Marie-Tooth disease, axonal, type 20. Identifiers: Orphanet 284232, MedGen C3280220, MONDO:0013644, OMIM 614228.

Allele frequency attached by ClinVar (database versions not stated): gnomAD 0.00001.
gnomAD v4.1: 1 of 1,613,554 alleles (0.000062%); highest among the groups gnomAD compares: South Asian, 0.0011%; no homozygotes.

Submission:

Labcorp Genetics (formerly Invitae), Labcorp
Classification: Uncertain significance for Charcot-Marie-Tooth disease axonal type 2O. Last evaluated: 2024-12-09. Review status: criteria provided, single submitter. Criteria: Invitae Variant Classification Sherloc (09022015). Collection method: clinical testing. Allele origin: germline.
Comment: This sequence change replaces arginine, which is basic and polar, with cysteine, which is neutral and slightly polar, at codon 4449 of the DYNC1H1 protein (p.Arg4449Cys). This variant is not present in population databases (gnomAD no frequency). This variant has not been reported in the literature in individuals affected with DYNC1H1-related conditions. ClinVar contains an entry for this variant (Variation ID: 1381178). Invitae Evidence Modeling of protein sequence and biophysical properties (such as structural, functional, and spatial information, amino acid conservation, physicochemical variation, residue mobility, and thermodynamic stability) has been performed for this missense variant. However, the output from this modeling did not meet the statistical confidence thresholds required to predict the impact of this variant on DYNC1H1 protein function. In summary, the available evidence is currently insufficient to determine the role of this variant in disease. Therefore, it has been classified as a Variant of Uncertain Significance.